The following is an entry in ClinVar:

NM_033517.1:c.2789C>G

Gene: SHANK3 (SH3 and multiple ankyrin repeat domains 3; plus strand).
Variant type: single nucleotide variant.
Other names: c.2789C>G (NM_033517.1).
Identifiers: ClinVar variation 4687042 (VCV004687042.1).

ClinVar aggregate classification (germline): Uncertain significance (1 of 4 stars; one submission).

Submission:

GeneDx
Classification: Uncertain significance. Last evaluated: 2025-07-25. Review status: criteria provided, single submitter. Criteria: GeneDx Variant Classification Process June 2021. Collection method: clinical testing. Allele origin: germline. Affected: yes.
Comment: Not observed at significant frequency in large population cohorts (gnomAD); Has not been previously published as pathogenic or benign to our knowledge; In silico analysis does not support a benign or deleterious effect of this variant on protein structure/function